The following is an entry in ClinVar:

ClinVar aggregate classification (germline): Uncertain significance. Review status: criteria provided, multiple submitters, no conflicts (2 of 4 stars). 2 submissions from 2 submitters: Uncertain significance (2). Last evaluated 2025-10-25.

Conditions:
Familial thoracic aortic aneurysm and aortic dissection (TAAD). Also called: Thoracic aortic aneurysms and dissections. Identifiers: Orphanet 91387, MedGen C4707243, MONDO:0019625.
Ehlers-Danlos syndrome, classic type, 1 (EDSCL1). Also called: EHLERS-DANLOS SYNDROME, GRAVIS TYPE; EHLERS-DANLOS SYNDROME, SEVERE CLASSIC TYPE; Ehlers-Danlos syndrome, type 1; Ehlers-Danlos Syndrome, Classic Type, COL5A1-Related; EDS I. Identifiers: MedGen C0268335, MONDO:0019567, OMIM 130000.

Allele frequency attached by ClinVar (database versions not stated): TOPMed below 0.00001; 1000 Genomes Project 0.00020; 1000 Genomes Project 30x 0.00031; gnomAD 0.00001.
gnomAD v4.1: 4 of 1,614,066 alleles (0.00025%); highest among the groups gnomAD compares: East Asian, 0.0067%; no homozygotes.

Submissions (2):

Labcorp Genetics (formerly Invitae), Labcorp
Classification: Uncertain significance for Ehlers-Danlos syndrome, classic type, 1. Last evaluated: 2025-10-25. Review status: criteria provided, single submitter. Criteria: Invitae Variant Classification Sherloc (09022015). Collection method: clinical testing. Allele origin: germline.
Comment: This sequence change falls in intron 59 of the COL5A1 gene. It does not directly change the encoded amino acid sequence of the COL5A1 protein. It affects a nucleotide within the consensus splice site. This variant is present in population databases (rs200851543, gnomAD 0.02%). This variant has not been reported in the literature in individuals affected with COL5A1-related conditions. ClinVar contains an entry for this variant (Variation ID: 2563237). Variants that disrupt the consensus splice site are a relatively common cause of aberrant splicing (PMID: 17576681, 9536098). Algorithms developed to predict the effect of sequence changes on RNA splicing suggest that this variant is not likely to affect RNA splicing. In summary, the available evidence is currently insufficient to determine the role of this variant in disease. Therefore, it has been classified as a Variant of Uncertain Significance.

Ambry Genetics
Classification: Uncertain significance for Familial thoracic aortic aneurysm and aortic dissection. Last evaluated: 2023-04-24. Review status: criteria provided, single submitter. Criteria: Ambry Variant Classification Scheme 2023. Collection method: clinical testing. Allele origin: germline.
Comment: The c.4609-3C>T intronic variant results from a C to T substitution 3 nucleotides upstream from coding exon 60 in the COL5A1 gene. This nucleotide position is well conserved in available vertebrate species. In silico splice site analysis predicts that this alteration will not have any significant effect on splicing. Since supporting evidence is limited at this time, the clinical significance of this alteration remains unclear.

Literature cited by the submitters: PubMed 17576681 (cited by Labcorp Genetics (formerly Invitae), Labcorp); PubMed 9536098 (cited by Labcorp Genetics (formerly Invitae), Labcorp).

NM_000093.5(COL5A1):c.4609-3C>T

Genes: COL5A1 (collagen type V alpha 1 chain; plus strand), LOC101448202 (uncharacterized LOC101448202; minus strand). Cytogenetic location: 9q34.3.
Variant type: single nucleotide variant.
Coding change: c.4609-3C>T on transcript NM_000093.5 (MANE Select); 3 bases into the intron before coding-DNA position 4609, C replaced by T.
Molecular consequence: intron variant.
Genome position (GRCh38, 1-based): chr9:134,822,995, C>T. VCF-style: chr9-134822995-C-T. GRCh37 (hg19) VCF-style: chr9-137714841-C-T.
Other names: c.4609-3C>T (NM_001278074.1).
Identifiers: ClinVar variation 2563237 (VCV002563237.3), dbSNP rs200851543, ClinGen allele CA201099124.
Genomic context (GRCh38, chr9:134,822,995, plus strand): 5'-GGAGCACGGTGGGGCTGGAGCTGAGACCCGGCTTGCTGACGTTCTGCCCTCCTCTCTCTG[C>T]AGGGTCCGCCTGGTCCAAAAGGTGCTAAGGGCTCCTCGGTAAGTAACATGCTGCCCAGCC-3'